The following is an entry in ClinVar:

ClinVar aggregate classification (germline): Conflicting classifications of pathogenicity. Review status: criteria provided, conflicting classifications (1 of 4 stars). 6 submissions from 6 submitters: Uncertain significance (1); Benign (1); Likely benign (3). 1 of the submissions does not count toward it. Last evaluated 2025-12-05.

Conditions:
COL18A1-related disorder. Also called: COL18A1-related disorders; COL18A1-related condition.
Inborn genetic diseases. Identifiers: MedGen C0950123, MeSH D030342.
Knobloch syndrome (KNO). Also called: RETINAL DETACHMENT AND OCCIPITAL ENCEPHALOCELE; Myopia retinal detachment encephalocele. Identifiers: Orphanet 1571, MedGen C1849409, MONDO:0800166.

Allele frequency attached by ClinVar (database versions not stated): ESP Exome Variant Server 0.00008; gnomAD 0.00014 and 0.00029; TOPMed 0.00030; gnomAD exomes 0.00065; ExAC 0.00071; 1000 Genomes Project 30x 0.00109; 1000 Genomes Project 0.00140.
gnomAD v4.1: 552 of 1,612,636 alleles (0.034%); highest among the groups gnomAD compares: East Asian, 1.1%; 5 homozygotes.

Submissions (7):

Labcorp Genetics (formerly Invitae), Labcorp
Classification: Benign. Last evaluated: 2025-12-05. Review status: criteria provided, single submitter. Criteria: Invitae Variant Classification Sherloc (09022015). Collection method: clinical testing. Allele origin: germline.

Women's Health and Genetics/Laboratory Corporation of America, LabCorp
Classification: Likely benign. Last evaluated: 2025-07-02. Review status: criteria provided, single submitter. Criteria: LabCorp Variant Classification Summary - May 2015. Collection method: clinical testing. Allele origin: germline.
Comment: Variant summary: COL18A1 c.578G>A (p.Arg193Gln) results in a conservative amino acid change in the encoded protein sequence. Algorithms developed to predict the effect of missense changes on protein structure and function are either unavailable or do not agree on the potential impact of this missense change. The variant allele was found at a frequency of 0.00065 in 246220 control chromosomes, predominantly at a frequency of 0.0083 within the East Asian subpopulation in the gnomAD database, including 2 homozygotes. The observed variant frequency within East Asian control individuals in the gnomAD database exceeds the estimated maximal expected allele frequency for a pathogenic variant in COL18A1 causing Knobloch Syndrome 1 phenotype. To our knowledge, no occurrence of c.578G>A in individuals affected with Knobloch Syndrome 1 and no experimental evidence demonstrating its impact on protein function have been reported. ClinVar contains an entry for this variant (Variation ID: 898070). Based on the evidence outlined above, the variant was classified as likely benign.

Blueprint Genetics
Classification: Likely benign. Last evaluated: 2024-08-28. Review status: criteria provided, single submitter. Criteria: ACMG Guidelines, 2015. Collection method: clinical testing. Allele origin: germline.

Ambry Genetics
Classification: Likely benign for Inborn genetic diseases. Last evaluated: 2023-05-03. Review status: criteria provided, single submitter. Criteria: Ambry Variant Classification Scheme 2023. Collection method: clinical testing. Allele origin: germline.

Illumina Laboratory Services, Illumina
Classification: Uncertain significance for Knobloch syndrome 1. Last evaluated: 2017-04-27. Review status: criteria provided, single submitter. Criteria: ICSL Variant Classification Criteria 13 December 2019. Collection method: clinical testing. Allele origin: germline.

PreventionGenetics, part of Exact Sciences
Classification: Likely benign for COL18A1-related condition. Last evaluated: 2020-04-27. Review status: no assertion criteria provided. Collection method: clinical testing. Allele origin: germline. Not counted in ClinVar's aggregate classification.
Comment: This variant is classified as likely benign based on ACMG/AMP sequence variant interpretation guidelines (Richards et al. 2015 PMID: 25741868, with internal and published modifications).

Dr. Peter K. Rogan Lab, Western University
No classification provided (evidence only). Condition: Gastric cancer. Review status: no classification provided. Collection method: in vitro. Allele origin: not applicable. Functional consequence: retained intron. Not counted in ClinVar's aggregate classification.

NM_001379500.1(COL18A1):c.578G>A (p.Arg193Gln)

Gene: COL18A1 (collagen type XVIII alpha 1 chain; plus strand). Cytogenetic location: 21q22.3.
Variant type: single nucleotide variant.
Coding change: c.578G>A on transcript NM_001379500.1 (MANE Select); coding-DNA position 578, G replaced by A.
Protein change: p.Arg193Gln; replaces arginine 193 with glutamine.
Molecular consequence: missense variant.
Genome position (GRCh38, 1-based): chr21:45,468,713, G>A. VCF-style: chr21-45468713-G-A. GRCh37 (hg19) VCF-style: chr21-46888627-G-A.
Other names: NM_130445.2:c.578G>A; c.1118G>A (NM_030582.3); c.1118G>A, p.Arg373Gln (NM_030582.4); c.1823G>A, p.Arg608Gln (NM_130444.3); short protein forms R608Q, R373Q, R193Q.
Identifiers: ClinVar variation 898070 (VCV000898070.20), dbSNP rs2236453, ClinGen allele CA10065787.